The following is an entry in ClinVar:

ClinVar aggregate classification (germline): Conflicting classifications of pathogenicity. Review status: criteria provided, conflicting classifications (1 of 4 stars). 2 submissions from 2 submitters: Uncertain significance (1); Benign (1). Last evaluated 2025-05-12.

Submissions (2):

Labcorp Genetics (formerly Invitae), Labcorp
Classification: Benign. Last evaluated: 2025-05-12. Review status: criteria provided, single submitter. Criteria: Invitae Variant Classification Sherloc (09022015). Collection method: clinical testing. Allele origin: germline.

GeneDx
Classification: Uncertain significance. Last evaluated: 2022-06-29. Review status: criteria provided, single submitter. Criteria: GeneDx Variant Classification Process June 2021. Collection method: clinical testing. Allele origin: germline. Affected: yes.
Comment: Has not been previously published as pathogenic or benign to our knowledge; In-silico analysis is inconclusive as to whether the variant alters gene splicing. In the absence of RNA/functional studies, the actual effect of this sequence change is unknown.

NM_020821.3(VPS13C):c.6039-4del

Gene: VPS13C (vacuolar protein sorting 13 homolog C; minus strand). Cytogenetic location: 15q22.2.
Variant type: Deletion.
Coding change: c.6039-4del on transcript NM_020821.3 (MANE Select); 4 bases into the intron before coding-DNA position 6039, one base deleted (T; older notation c.6039-4delT).
Molecular consequence: intron variant.
Genome position (GRCh38, 1-based): chr15:61,929,752, A deleted on the plus strand (T on the coding strand, the reverse complement: VPS13C is on the minus strand); the first of 8 consecutive A bases (chr15:61,929,752-61,929,759); deleting any one gives the same sequence. VCF-style (leftmost placement, unchanged base first): chr15-61929751-GA-G. GRCh37 (hg19) VCF-style: chr15-62221950-GA-G.
Other names: c.5910-4del (NM_017684.5, NM_018080.4); c.6039-4del (NM_001018088.3).
Identifiers: ClinVar variation 1810017 (VCV001810017.6), dbSNP rs749633941, ClinGen allele CA7595649.
Genomic context (GRCh38, chr15:61,929,751, plus strand): 5'-GTAACTTATATCAATCATAGAACTGTTGTTATCTTGGTCATTCTTTCTGTCAATCATTCT[GA>G]AAAAAAACATGCTATTCATTATTTTATTCTTGCTAAAACAATAAAAAAGATGAAGAATTT-3'